The following is an entry in ClinVar:

NM_001375405.1(CEP120):c.1741G>A (p.Val581Met)

Gene: CEP120 (centrosomal protein 120; minus strand). Cytogenetic location: 5q23.2.
Variant type: single nucleotide variant.
Coding change: c.1741G>A on transcript NM_001375405.1 (MANE Select); coding-DNA position 1741, G replaced by A.
Protein change: p.Val581Met; replaces valine 581 with methionine.
Molecular consequence: missense variant. On other transcripts: non-coding transcript variant (1).
Genome position (GRCh38, 1-based): chr5:123,384,973, C>T on the plus strand (G>A on the coding strand, the complement: CEP120 is on the minus strand). VCF-style: chr5-123384973-C-T. GRCh37 (hg19) VCF-style: chr5-122720667-C-T.
Other names: c.1663G>A, p.Val555Met (NM_001166226.2); c.1606G>A, p.Val536Met (NM_001375406.1); c.1741G>A, p.Val581Met (NM_001375407.1, NM_153223.4); c.1168G>A, p.Val390Met (NM_001375408.1, NM_001375409.1); short protein forms V390M, V581M, V536M, V555M.
Identifiers: ClinVar variation 2171294 (VCV002171294.4), dbSNP rs776183973, ClinGen allele CA360902211.

ClinVar aggregate classification (germline): Uncertain significance (1 of 4 stars; one submission).

Conditions:
Short-rib thoracic dysplasia 13 with or without polydactyly (SRTD13). Identifiers: Orphanet 474, MedGen C4225378, MONDO:0014577, OMIM 616300.

gnomAD v4.1: 2 of 1,611,024 alleles (0.00012%); highest among the groups gnomAD compares: Middle Eastern, 0.017%; no homozygotes.

Submission:

Labcorp Genetics (formerly Invitae), Labcorp
Classification: Uncertain significance for Short-rib thoracic dysplasia 13 with or without polydactyly. Last evaluated: 2022-05-28. Review status: criteria provided, single submitter. Criteria: Invitae Variant Classification Sherloc (09022015). Collection method: clinical testing. Allele origin: germline.
Comment: This sequence change replaces valine, which is neutral and non-polar, with methionine, which is neutral and non-polar, at codon 581 of the CEP120 protein (p.Val581Met). This variant is not present in population databases (gnomAD no frequency). This variant has not been reported in the literature in individuals affected with CEP120-related conditions. Algorithms developed to predict the effect of missense changes on protein structure and function are either unavailable or do not agree on the potential impact of this missense change (SIFT: "Deleterious"; PolyPhen-2: "Possibly Damaging"; Align-GVGD: "Class C0"). In summary, the available evidence is currently insufficient to determine the role of this variant in disease. Therefore, it has been classified as a Variant of Uncertain Significance.